The following is an entry in ClinVar:

ClinVar aggregate classification (germline): Uncertain significance (1 of 4 stars; one submission).

Allele frequency attached by ClinVar (database versions not stated): gnomAD 0.00001; ExAC 0.00003; gnomAD exomes 0.00003; TOPMed 0.00003; 1000 Genomes Project 0.00020; 1000 Genomes Project 30x 0.00031.
gnomAD v4.1: 61 of 1,614,074 alleles (0.0038%); highest among the groups gnomAD compares: Non-Finnish European, 0.0046%; no homozygotes.

Submission:

Labcorp Genetics (formerly Invitae), Labcorp
Classification: Uncertain significance. Last evaluated: 2025-08-12. Review status: criteria provided, single submitter. Criteria: Invitae Variant Classification Sherloc (09022015). Collection method: clinical testing. Allele origin: germline.
Comment: This sequence change replaces valine, which is neutral and non-polar, with isoleucine, which is neutral and non-polar, at codon 1334 of the RP1 protein (p.Val1334Ile). This variant is present in population databases (rs568312011, gnomAD 0.02%). This variant has not been reported in the literature in individuals affected with RP1-related conditions. ClinVar contains an entry for this variant (Variation ID: 1054860). An algorithm developed to predict the effect of missense changes on protein structure and function outputs the following: PolyPhen-2: "Benign". The isoleucine amino acid residue is found in multiple mammalian species, which suggests that this missense change does not adversely affect protein function. In summary, the available evidence is currently insufficient to determine the role of this variant in disease. Therefore, it has been classified as a Variant of Uncertain Significance.

NM_006269.2(RP1):c.4000G>A (p.Val1334Ile)

Gene: RP1 (RP1 axonemal microtubule associated; plus strand). Cytogenetic location: 8q12.1.
Variant type: single nucleotide variant.
Coding change: c.4000G>A on transcript NM_006269.2 (MANE Select); coding-DNA position 4000, G replaced by A.
Protein change: p.Val1334Ile; replaces valine 1334 with isoleucine.
Molecular consequence: missense variant. On other transcripts: intron variant (1).
Genome position (GRCh38, 1-based): chr8:54,627,882, G>A. VCF-style: chr8-54627882-G-A. GRCh37 (hg19) VCF-style: chr8-55540442-G-A.
Other names: c.787+5594G>A (NM_001375654.1); short protein forms V1334I.
Identifiers: ClinVar variation 1054860 (VCV001054860.7), dbSNP rs568312011, ClinGen allele CA4751787.